The following is an entry in ClinVar:

ClinVar aggregate classification (germline): Likely benign. Review status: criteria provided, multiple submitters, no conflicts (2 of 4 stars). 2 submissions from 2 submitters: Likely benign (2). Last evaluated 2023-09-03.

Conditions:
Methylmalonic acidemia with homocystinuria, type cblX (MAHCX). Also called: INTELLECTUAL DEVELOPMENTAL DISORDER, X-LINKED 3. Identifiers: Orphanet 369962, MedGen C0796208, MONDO:0010657, OMIM 309541.

Allele frequency attached by ClinVar (database versions not stated): gnomAD exomes 0.00001; TOPMed 0.00001; ExAC 0.00002; gnomAD 0.00002 and 0.00003; ESP Exome Variant Server 0.00010.
gnomAD v4.1: 23 of 1,210,705 alleles (0.0019%); highest among the groups gnomAD compares: African/African-American, 0.0035%; no homozygotes.

Submissions (2):

Labcorp Genetics (formerly Invitae), Labcorp
Classification: Likely benign for Methylmalonic acidemia with homocystinuria, type cblX. Last evaluated: 2023-09-03. Review status: criteria provided, single submitter. Criteria: Invitae Variant Classification Sherloc (09022015). Collection method: clinical testing. Allele origin: germline.

GeneDx
Classification: Likely benign. Last evaluated: 2018-03-20. Review status: criteria provided, single submitter. Criteria: GeneDx Variant Classification (06012015). Collection method: clinical testing. Allele origin: germline. Affected: yes.
Comment: This variant is considered likely benign or benign based on one or more of the following criteria: it is a conservative change, it occurs at a poorly conserved position in the protein, it is predicted to be benign by multiple in silico algorithms, and/or has population frequency not consistent with disease.

NM_005334.3(HCFC1):c.3975C>T (p.His1325=)

Gene: HCFC1 (host cell factor C1; minus strand). Cytogenetic location: Xq28.
Variant type: single nucleotide variant.
Coding change: c.3975C>T on transcript NM_005334.3 (MANE Select); coding-DNA position 3975, C replaced by T.
Protein change: p.His1325=; no amino-acid change (histidine 1325 retained).
Molecular consequence: synonymous variant.
Genome position (GRCh38, 1-based): chrX:153,954,424, G>A on the plus strand (C>T on the coding strand, the complement: HCFC1 is on the minus strand). VCF-style: chrX-153954424-G-A. GRCh37 (hg19) VCF-style: chrX-153219875-G-A.
Identifiers: ClinVar variation 680338 (VCV000680338.4), dbSNP rs373289538, ClinGen allele CA10557100.